The following is an entry in ClinVar:

ClinVar aggregate classification (germline): Uncertain significance. Review status: criteria provided, multiple submitters, no conflicts (2 of 4 stars). 3 submissions from 3 submitters: Uncertain significance (2). 1 of the submissions does not count toward it. Last evaluated 2021-08-24.

Conditions:
Long QT syndrome 13 (LQT13). Identifiers: Orphanet 101016, Orphanet 768, MedGen C3150733, MONDO:0013279, OMIM 613485.
Familial hyperaldosteronism type III. Also called: FH III; Familial hyperaldosteronism type 3. Identifiers: Orphanet 251274, MedGen C3838758, MONDO:0013359, OMIM 613677.
Cardiovascular phenotype. Identifiers: MedGen CN230736.

Allele frequency attached by ClinVar (database versions not stated): gnomAD exomes below 0.00001.
gnomAD v4.1: 2 of 1,604,062 alleles (0.00012%); highest among the groups gnomAD compares: Non-Finnish European, 0.00017%; no homozygotes.

Submissions (3):

Fulgent Genetics
Classification: Uncertain significance for Long QT syndrome 13; Familial hyperaldosteronism type III. Last evaluated: 2021-08-24. Review status: criteria provided, single submitter. Criteria: ACMG Guidelines, 2015. Collection method: clinical testing. Allele origin: unknown.

Ambry Genetics
Classification: Uncertain significance for Cardiovascular phenotype. Last evaluated: 2019-04-09. Review status: criteria provided, single submitter. Criteria: Ambry Variant Classification Scheme 2023. Collection method: clinical testing. Allele origin: germline.
Comment: The p.R416S variant (also known as c.1248G>C), located in coding exon 2 of the KCNJ5 gene, results from a G to C substitution at nucleotide position 1248. The arginine at codon 416 is replaced by serine, an amino acid with dissimilar properties. This amino acid position is not well conserved in available vertebrate species, and serine is the reference amino acid in other vertebrate species. In addition, this alteration is predicted to be tolerated by in silico analysis. Since supporting evidence is limited at this time, the clinical significance of this alteration remains unclear.

Department of Pathology and Laboratory Medicine, Sinai Health System
Classification: Uncertain significance. Review status: no assertion criteria provided. Collection method: clinical testing. Allele origin: unknown. Affected: yes. Study: The Canadian Open Genetics Repository (COGR). Not counted in ClinVar's aggregate classification.
Comment: The KCNJ5 p.Arg416Ser variant was not identified in the literature nor was it identified in ClinVar or LOVD 3.0. The variant was identified in dbSNP (ID: rs930047035), but was not identified in the following control databases: the 1000 Genomes Project, the NHLBI GO Exome Sequencing Project, or the Genome Aggregation Database (March 6, 2019, v2.1.1). The p.Arg416 residue is conserved in mammals but not in more distantly related organisms however four out of five computational analyses (PolyPhen-2, SIFT, AlignGVGD, BLOSUM, MutationTaster) do not suggest a high likelihood of impact to the protein; this information is not predictive enough to rule out pathogenicity. The variant occurs outside of the splicing consensus sequence and in silico or computational prediction software programs (SpliceSiteFinder, MaxEntScan, NNSPLICE, GeneSplicer) do not predict a difference in splicing. In summary, based on the above information the clinical significance of this variant cannot be determined with certainty at this time. This variant is classified as a variant of uncertain significance.

NM_000890.5(KCNJ5):c.1248G>C (p.Arg416Ser)

Gene: KCNJ5 (potassium inwardly rectifying channel subfamily J member 5; plus strand). Cytogenetic location: 11q24.3.
Variant type: single nucleotide variant.
Coding change: c.1248G>C on transcript NM_000890.5 (MANE Select); coding-DNA position 1248, G replaced by C.
Protein change: p.Arg416Ser; replaces arginine 416 with serine.
Molecular consequence: missense variant.
Genome position (GRCh38, 1-based): chr11:128,916,719, G>C. VCF-style: chr11-128916719-G-C. GRCh37 (hg19) VCF-style: chr11-128786614-G-C.
Other names: c.1248G>C, p.Arg416Ser (NM_001354169.2); short protein forms R416S.
Identifiers: ClinVar variation 1050347 (VCV001050347.4), dbSNP rs930047035, ClinGen allele CA230583354.
Genomic context (GRCh38, chr11:128,916,719, plus strand): 5'-AGAGGCTGAGCAGAATGAAGAAGATGAGCCCAAGGGGCTGGGTGGGTCCAGGGAGGCCAG[G>C]GGCTCGGTGTGAGGGGTGCAGCCTCCCTAAGACCTCCTGTCACTGGCTTCAGTGAACACA-3'
Protein context (NP_000881.3, residues 406-419): PKGLGGSREA[Arg416Ser]GSV